The following is an entry in ClinVar:

NM_002693.3(POLG):c.3290T>A (p.Val1097Glu)

Gene: POLG (DNA polymerase gamma, catalytic subunit; minus strand). Cytogenetic location: 15q26.1.
Variant type: single nucleotide variant.
Coding change: c.3290T>A on transcript NM_002693.3 (MANE Select); coding-DNA position 3290, T replaced by A.
Protein change: p.Val1097Glu; replaces valine 1097 with glutamic acid.
Molecular consequence: missense variant.
Genome position (GRCh38, 1-based): chr15:89,318,733, A>T on the plus strand (T>A on the coding strand, the complement: POLG is on the minus strand). VCF-style: chr15-89318733-A-T. GRCh37 (hg19) VCF-style: chr15-89861964-A-T.
Other names: c.3290T>A, p.Val1097Glu (NM_001126131.2); short protein forms V1097E.
Identifiers: ClinVar variation 1998590 (VCV001998590.5), dbSNP rs2509203889, ClinGen allele CA393750201.
Genomic context (GRCh38, chr15:89,318,733, plus strand): 5'-TTCATGGCCACAAGCATGAGGTGTAAGTAGTCAACAGCAGAGCTCTGTACCACCCAATTC[A>T]CACGGCTGGTCATAAACTGGGAAGGGAAGGTGGGCAGAGGTGAAAGGGGCTATGCTACAT-3'
Protein context (NP_002684.1, residues 1087-1107): AVQEEFMTSR[Val1097Glu]NWVVQSSAVD

ClinVar aggregate classification (germline): Uncertain significance. Review status: criteria provided, multiple submitters, no conflicts (2 of 4 stars). 2 submissions from 2 submitters: Uncertain significance (2). Last evaluated 2025-06-12.

Conditions:
Progressive sclerosing poliodystrophy (MTDPS4A). Also called: Mitochondrial DNA Depletion Syndrome 4A; ALPERS PROGRESSIVE INFANTILE POLIODYSTROPHY; NEURONAL DEGENERATION OF CHILDHOOD WITH LIVER DISEASE, PROGRESSIVE; Mitochondrial DNA depletion syndrome 4A (Alpers type); Alpers Syndrome; ALPERS DIFFUSE DEGENERATION OF CEREBRAL GRAY MATTER WITH HEPATIC CIRRHOSIS. Identifiers: Orphanet 726, MedGen C0205710, MONDO:0008758, OMIM 203700.

Submissions (2):

GeneDx
Classification: Uncertain significance. Last evaluated: 2025-06-12. Review status: criteria provided, single submitter. Criteria: GeneDx Variant Classification Process June 2021. Collection method: clinical testing. Allele origin: germline. Affected: yes.
Comment: Not observed at significant frequency in large population cohorts (gnomAD); In silico analysis supports that this missense variant has a deleterious effect on protein structure/function; Has not been previously published as pathogenic or benign to our knowledge

Labcorp Genetics (formerly Invitae), Labcorp
Classification: Uncertain significance for Progressive sclerosing poliodystrophy. Last evaluated: 2022-11-17. Review status: criteria provided, single submitter. Criteria: Invitae Variant Classification Sherloc (09022015). Collection method: clinical testing. Allele origin: germline.
Comment: This variant has not been reported in the literature in individuals affected with POLG-related conditions. This sequence change replaces valine, which is neutral and non-polar, with glutamic acid, which is acidic and polar, at codon 1097 of the POLG protein (p.Val1097Glu). This variant is not present in population databases (gnomAD no frequency). Advanced modeling of protein sequence and biophysical properties (such as structural, functional, and spatial information, amino acid conservation, physicochemical variation, residue mobility, and thermodynamic stability) performed at Invitae indicates that this missense variant is expected to disrupt POLG protein function. In summary, the available evidence is currently insufficient to determine the role of this variant in disease. Therefore, it has been classified as a Variant of Uncertain Significance.